The following is an entry in ClinVar:

ClinVar aggregate classification (germline): Uncertain significance (1 of 4 stars; one submission).

Submission:

GeneDx
Classification: Uncertain significance. Last evaluated: 2021-04-05. Review status: criteria provided, single submitter. Criteria: GeneDx Variant Classification Process June 2021. Collection method: clinical testing. Allele origin: germline. Affected: yes.
Comment: Not observed in large population cohorts (Lek et al., 2016); In silico analysis supports that this missense variant does not alter protein structure/function; Has not been previously published as pathogenic or benign to our knowledge

NM_001039591.3(USP9X):c.3053T>C (p.Ile1018Thr)

Gene: USP9X (ubiquitin specific peptidase 9 X-linked; plus strand). Cytogenetic location: Xp11.4.
Variant type: single nucleotide variant.
Coding change: c.3053T>C on transcript NM_001039591.3 (MANE Select); coding-DNA position 3053, T replaced by C.
Protein change: p.Ile1018Thr; replaces isoleucine 1018 with threonine.
Molecular consequence: missense variant.
Genome position (GRCh38, 1-based): chrX:41,171,863, T>C. VCF-style: chrX-41171863-T-C. GRCh37 (hg19) VCF-style: chrX-41031116-T-C.
Other names: c.3053T>C, p.Ile1018Thr (NM_001039590.3); short protein forms I1018T.
Identifiers: ClinVar variation 1314372 (VCV001314372.2), dbSNP rs2147126963, ClinGen allele CA412760925.
Genomic context (GRCh38, chrX:41,171,863, plus strand): 5'-TTAGAGGTAATTATTTTGTGTATTTTATATTCTAGATAATGTCACTGCATCCCAGATACA[T>C]CTCTTTTCTTTGGCAAGTTGCAGACTTAGGTAGCAGCCTAAATATGCCACCCCTTAGAGA-3'
Protein context (NP_001034680.2, residues 1008-1028): GVIMSLHPRY[Ile1018Thr]SFLWQVADLG